The following is an entry in ClinVar:

NM_000746.6(CHRNA7):c.1249G>A (p.Asp417Asn)

Gene: CHRNA7 (cholinergic receptor nicotinic alpha 7 subunit). Cytogenetic location: 15q13.3.
Variant type: single nucleotide variant.
Coding change: c.1249G>A on transcript NM_000746.6 (MANE Select); coding-DNA position 1249, G replaced by A.
Protein change: p.Asp417Asn; replaces aspartic acid 417 with asparagine.
Molecular consequence: missense variant. On other transcripts: non-coding transcript variant (1).
Genome position (GRCh38, 1-based): chr15:32,168,198, G>A. VCF-style: chr15-32168198-G-A. GRCh37 (hg19) VCF-style: chr15-32460399-G-A.
Other names: c.1336G>A, p.Asp446Asn (NM_001190455.3); short protein forms D417N, D446N.
Identifiers: ClinVar variation 4821538 (VCV004821538.4).

ClinVar aggregate classification (germline): Uncertain significance (1 of 4 stars; one submission).

Submission:

CeGaT Center for Human Genetics Tuebingen
Classification: Uncertain significance. Last evaluated: 2026-02-01. Review status: criteria provided, single submitter. Criteria: CeGaT Center For Human Genetics Tuebingen Variant Classification Criteria Version 2. Collection method: clinical testing. Allele origin: germline. Affected: yes. Observed: 1 variant allele.
Comment: CHRNA7: PM2